The following is an entry in ClinVar:

NM_032038.3(SPNS1):c.996C>T (p.Thr332=)

Gene: SPNS1 (SPNS lysolipid transporter 1, lysophospholipid; plus strand). Cytogenetic location: 16p11.2.
Variant type: single nucleotide variant.
Coding change: c.996C>T on transcript NM_032038.3 (MANE Select); coding-DNA position 996, C replaced by T.
Protein change: p.Thr332=; no amino-acid change (threonine 332 retained).
Molecular consequence: synonymous variant.
Genome position (GRCh38, 1-based): chr16:28,982,386, C>T. VCF-style: chr16-28982386-C-T. GRCh37 (hg19) VCF-style: chr16-28993707-C-T.
Other names: c.996C>T, p.Thr332= (NM_001142448.2); c.774C>T, p.Thr258= (NM_001142449.2); c.777C>T, p.Thr259= (NM_001142450.2); c.840C>T, p.Thr280= (NM_001142451.2).
Identifiers: ClinVar variation 2646358 (VCV002646358.24), dbSNP rs374685580, ClinGen allele CA7989487.

ClinVar aggregate classification (germline): Likely benign (1 of 4 stars; one submission).

Allele frequency attached by ClinVar (database versions not stated): gnomAD 0.00001; ExAC 0.00002; TOPMed 0.00003; ESP Exome Variant Server 0.00008.
gnomAD v4.1: 29 of 1,604,762 alleles (0.0018%); highest among the groups gnomAD compares: African/African-American, 0.004%; no homozygotes.

Submission:

CeGaT Center for Human Genetics Tuebingen
Classification: Likely benign. Last evaluated: 2022-12-01. Review status: criteria provided, single submitter. Criteria: CeGaT Center For Human Genetics Tuebingen Variant Classification Criteria Version 2. Collection method: clinical testing. Allele origin: germline. Affected: yes. Observed: 1 variant allele.
Comment: SPNS1: BP4, BP7